The following is an entry in ClinVar:

ClinVar aggregate classification (germline): Pathogenic (1 of 4 stars; one submission).

Submission:

Labcorp Genetics (formerly Invitae), Labcorp
Classification: Pathogenic. Last evaluated: 2025-12-30. Review status: criteria provided, single submitter. Criteria: Invitae Variant Classification Sherloc (09022015). Collection method: clinical testing. Allele origin: germline.
Comment: This sequence change creates a premature translational stop signal (p.Glu305*) in the ADAMTS17 gene. It is expected to result in an absent or disrupted protein product. Loss-of-function variants in ADAMTS17 are known to be pathogenic (PMID: 19836009, 24940034). This variant is not present in population databases (gnomAD no frequency). This variant has not been reported in the literature in individuals affected with ADAMTS17-related conditions. For these reasons, this variant has been classified as Pathogenic.

Literature cited by the submitters: PubMed 19836009; PubMed 24940034.

NM_139057.4(ADAMTS17):c.913G>T (p.Glu305Ter)

Gene: ADAMTS17 (ADAM metallopeptidase with thrombospondin type 1 motif 17; minus strand). Cytogenetic location: 15q26.3.
Variant type: single nucleotide variant.
Coding change: c.913G>T on transcript NM_139057.4 (MANE Select); coding-DNA position 913, G replaced by T.
Protein change: p.Glu305Ter; replaces glutamic acid 305 with a stop codon.
Molecular consequence: nonsense.
Genome position (GRCh38, 1-based): chr15:100,261,597, C>A on the plus strand (G>T on the coding strand, the complement: ADAMTS17 is on the minus strand). VCF-style: chr15-100261597-C-A. GRCh37 (hg19) VCF-style: chr15-100801802-C-A.
Other names: short protein forms E305*.
Identifiers: ClinVar variation 4710435 (VCV004710435.1).